The following is an entry in ClinVar:

NM_001035.3(RYR2):c.14477G>A (p.Gly4826Glu)

Gene: RYR2 (ryanodine receptor 2; plus strand). Cytogenetic location: 1q43.
Variant type: single nucleotide variant.
Coding change: c.14477G>A on transcript NM_001035.3 (MANE Select); coding-DNA position 14477, G replaced by A.
Protein change: p.Gly4826Glu; replaces glycine 4826 with glutamic acid.
Molecular consequence: missense variant.
Genome position (GRCh38, 1-based): chr1:237,819,079, G>A. VCF-style: chr1-237819079-G-A. GRCh37 (hg19) VCF-style: chr1-237982379-G-A.
Other names: short protein forms G4826E.
Identifiers: ClinVar variation 962195 (VCV000962195.11), dbSNP rs1662149581, ClinGen allele CA345426109.

ClinVar aggregate classification (germline): Uncertain significance (1 of 4 stars; one submission).

Conditions:
Catecholaminergic polymorphic ventricular tachycardia 1. Also called: VENTRICULAR TACHYCARDIA, CATECHOLAMINERGIC POLYMORPHIC, 1, WITH OR WITHOUT ATRIAL DYSFUNCTION AND/OR DILATED CARDIOMYOPATHY; VENTRICULAR TACHYCARDIA, STRESS-INDUCED POLYMORPHIC 1; RYR2-Related Catecholaminergic Polymorphic Ventricular Tachycardia. Identifiers: Orphanet 3286, MedGen C1631597, MONDO:0011484, OMIM 604772.

Submission:

Labcorp Genetics (formerly Invitae), Labcorp
Classification: Uncertain significance for Catecholaminergic polymorphic ventricular tachycardia 1. Last evaluated: 2023-02-04. Review status: criteria provided, single submitter. Criteria: Invitae Variant Classification Sherloc (09022015). Collection method: clinical testing. Allele origin: germline.
Comment: ClinVar contains an entry for this variant (Variation ID: 962195). Advanced modeling of protein sequence and biophysical properties (such as structural, functional, and spatial information, amino acid conservation, physicochemical variation, residue mobility, and thermodynamic stability) performed at Invitae indicates that this missense variant is expected to disrupt RYR2 protein function. In summary, the available evidence is currently insufficient to determine the role of this variant in disease. Therefore, it has been classified as a Variant of Uncertain Significance. This sequence change replaces glycine, which is neutral and non-polar, with glutamic acid, which is acidic and polar, at codon 4826 of the RYR2 protein (p.Gly4826Glu). This variant is not present in population databases (gnomAD no frequency). This variant has not been reported in the literature in individuals affected with RYR2-related conditions.